The following is an entry in ClinVar:

NM_015965.7(NDUFA13):c.400C>T (p.Leu134Phe)

Gene: NDUFA13 (NADH:ubiquinone oxidoreductase subunit A13; plus strand). Cytogenetic location: 19p13.11.
Variant type: single nucleotide variant.
Coding change: c.400C>T on transcript NM_015965.7 (MANE Select); coding-DNA position 400, C replaced by T.
Protein change: p.Leu134Phe; replaces leucine 134 with phenylalanine.
Molecular consequence: missense variant.
Genome position (GRCh38, 1-based): chr19:19,528,091, C>T. VCF-style: chr19-19528091-C-T. GRCh37 (hg19) VCF-style: chr19-19638900-C-T.
Other names: short protein forms L134F.
Identifiers: ClinVar variation 2113346 (VCV002113346.4), dbSNP rs2061114114, ClinGen allele CA404937557.

ClinVar aggregate classification (germline): Uncertain significance (1 of 4 stars; one submission).

Allele frequency attached by ClinVar (database versions not stated): gnomAD exomes below 0.00001.

Submission:

Labcorp Genetics (formerly Invitae), Labcorp
Classification: Uncertain significance. Last evaluated: 2024-10-24. Review status: criteria provided, single submitter. Criteria: Invitae Variant Classification Sherloc (09022015). Collection method: clinical testing. Allele origin: germline.
Comment: This sequence change replaces leucine, which is neutral and non-polar, with phenylalanine, which is neutral and non-polar, at codon 134 of the NDUFA13 protein (p.Leu134Phe). This variant is not present in population databases (gnomAD no frequency). This variant has not been reported in the literature in individuals affected with NDUFA13-related conditions. ClinVar contains an entry for this variant (Variation ID: 2113346). An algorithm developed to predict the effect of missense changes on protein structure and function (PolyPhen-2) suggests that this variant is likely to be tolerated. In summary, the available evidence is currently insufficient to determine the role of this variant in disease. Therefore, it has been classified as a Variant of Uncertain Significance.